The following is an entry in ClinVar:

NM_006614.4(CHL1):c.92-3T>A

Gene: CHL1 (cell adhesion molecule L1 like; plus strand). Cytogenetic location: 3p26.3.
Variant type: single nucleotide variant.
Coding change: c.92-3T>A on transcript NM_006614.4 (MANE Select); 3 bases into the intron before coding-DNA position 92, T replaced by A.
Molecular consequence: intron variant.
Genome position (GRCh38, 1-based): chr3:325,956, T>A. VCF-style: chr3-325956-T-A. GRCh37 (hg19) VCF-style: chr3-367639-T-A.
Other names: c.92-3T>A (NM_001253387.2, NM_001253388.1).
Identifiers: ClinVar variation 773668 (VCV000773668.5), dbSNP rs200543338, ClinGen allele CA2224218.

ClinVar aggregate classification (germline): Benign. Review status: criteria provided, single submitter (1 of 4 stars). 2 submissions from 2 submitters: Benign (1). 1 of the submissions does not count toward it. Last evaluated 2018-03-29.

Conditions:
CHL1-related disorder. Also called: CHL1-related condition.

Allele frequency attached by ClinVar (database versions not stated): 1000 Genomes Project 30x 0.00047; TOPMed 0.00049; 1000 Genomes Project 0.00060; ESP Exome Variant Server 0.00069; gnomAD exomes 0.00117 and 0.00237; gnomAD 0.00182; ExAC 0.00213.
gnomAD v4.1: 1,984 of 1,595,674 alleles (0.12%); highest among the groups gnomAD compares: East Asian, 0.68%; 20 homozygotes.

Submissions (2):

Labcorp Genetics (formerly Invitae), Labcorp
Classification: Benign. Last evaluated: 2018-03-29. Review status: criteria provided, single submitter. Criteria: Invitae Variant Classification Sherloc (09022015). Collection method: clinical testing. Allele origin: germline.

PreventionGenetics, part of Exact Sciences
Classification: Benign for CHL1-related condition. Last evaluated: 2019-07-10. Review status: no assertion criteria provided. Collection method: clinical testing. Allele origin: germline. Not counted in ClinVar's aggregate classification.
Comment: This variant is classified as benign based on ACMG/AMP sequence variant interpretation guidelines (Richards et al. 2015 PMID: 25741868, with internal and published modifications).